The following is an entry in ClinVar:

NM_001008212.2(OPTN):c.419_420insTC (p.Lys140fs)

Gene: OPTN (optineurin; plus strand). Cytogenetic location: 10p13.
Variant type: Insertion.
Coding change: c.419_420insTC on transcript NM_001008212.2 (MANE Select); coding-DNA positions 419 to 420, TC inserted.
Protein change: p.Lys140fs; shifts the reading frame from lysine 140.
Molecular consequence: frameshift variant.
Genome position: GRCh38 VCF-style: chr10-13112502-A-ATC. GRCh37 (hg19) VCF-style: chr10-13154502-A-ATC.
Other names: c.419_420insTC, p.Lys140fs (NM_001008211.1, NM_001008213.1, NM_021980.4); short protein forms K140fs.
Identifiers: ClinVar variation 2940980 (VCV002940980.3), dbSNP rs2539041527, ClinGen allele CA2740092961.

ClinVar aggregate classification (germline): Pathogenic (1 of 4 stars; one submission).

Conditions:
Primary open angle glaucoma (POAG). Also called: OPTN-related open angle glaucoma. Identifiers: MedGen C0339573, MONDO:0100553, OMIM 137760.
Amyotrophic lateral sclerosis type 12 (ALS12). Also called: AMYOTROPHIC LATERAL SCLEROSIS 12 WITH OR WITHOUT FRONTOTEMPORAL DEMENTIA. Identifiers: Orphanet 803, MedGen C3150692, MONDO:0013264, OMIM 613435.
Glaucoma 1, open angle, E. Identifiers: MedGen C1842026, MONDO:0007665.

Submission:

Labcorp Genetics (formerly Invitae), Labcorp
Classification: Pathogenic for Primary open angle glaucoma; Glaucoma 1, open angle, E; Amyotrophic lateral sclerosis type 12. Last evaluated: 2022-11-06. Review status: criteria provided, single submitter. Criteria: Invitae Variant Classification Sherloc (09022015). Collection method: clinical testing. Allele origin: germline.
Comment: For these reasons, this variant has been classified as Pathogenic. This variant has not been reported in the literature in individuals affected with OPTN-related conditions. This variant is not present in population databases (gnomAD no frequency). This sequence change creates a premature translational stop signal (p.Lys140Asnfs*10) in the OPTN gene. It is expected to result in an absent or disrupted protein product. Loss-of-function variants in OPTN are known to be pathogenic (PMID: 20428114).

Literature cited by the submitters: PubMed 20428114.